The following is an entry in ClinVar:

NM_005148.4(UNC119):c.437+8G>T

Gene: UNC119 (unc-119 lipid binding chaperone; minus strand). Cytogenetic location: 17q11.2.
Variant type: single nucleotide variant.
Coding change: c.437+8G>T on transcript NM_005148.4 (MANE Select); 8 bases into the intron after coding-DNA position 437, G replaced by T.
Molecular consequence: intron variant.
Genome position (GRCh38, 1-based): chr17:28,547,991, C>A on the plus strand (G>T on the coding strand, the complement: UNC119 is on the minus strand). VCF-style: chr17-28547991-C-A. GRCh37 (hg19) VCF-style: chr17-26875009-C-A.
Other names: c.437+8G>T (NM_005148.3, NM_054035.2); c.152+8G>T (NM_001330166.2).
Identifiers: ClinVar variation 1957699 (VCV001957699.7), dbSNP rs370221268, ClinGen allele CA8459797.

ClinVar aggregate classification (germline): Likely benign. Review status: criteria provided, single submitter (1 of 4 stars). 2 submissions from 2 submitters: Likely benign (1). 1 of the submissions does not count toward it. Last evaluated 2025-06-11.

Conditions:
UNC119-related disorder. Also called: UNC119-related condition.

Allele frequency attached by ClinVar (database versions not stated): ESP Exome Variant Server 0.00015.
gnomAD v4.1: 46 of 1,613,618 alleles (0.0029%); highest among the groups gnomAD compares: African/African-American, 0.004%; no homozygotes.

Submissions (2):

Labcorp Genetics (formerly Invitae), Labcorp
Classification: Likely benign. Last evaluated: 2025-06-11. Review status: criteria provided, single submitter. Criteria: Invitae Variant Classification Sherloc (09022015). Collection method: clinical testing. Allele origin: germline.

PreventionGenetics, part of Exact Sciences
Classification: Likely benign for UNC119-related condition. Last evaluated: 2024-01-05. Review status: no assertion criteria provided. Collection method: clinical testing. Allele origin: germline. Not counted in ClinVar's aggregate classification.
Comment: This variant is classified as likely benign based on ACMG/AMP sequence variant interpretation guidelines (Richards et al. 2015 PMID: 25741868, with internal and published modifications).